The following is an entry in ClinVar:

NM_153252.5(BRWD3):c.2479G>T (p.Asp827Tyr)

Gene: BRWD3 (bromodomain and WD repeat domain containing 3; minus strand). Cytogenetic location: Xq21.1.
Variant type: single nucleotide variant.
Coding change: c.2479G>T on transcript NM_153252.5 (MANE Select); coding-DNA position 2479, G replaced by T.
Protein change: p.Asp827Tyr; replaces aspartic acid 827 with tyrosine.
Molecular consequence: missense variant.
Genome position (GRCh38, 1-based): chrX:80,707,500, C>A on the plus strand (G>T on the coding strand, the complement: BRWD3 is on the minus strand). VCF-style: chrX-80707500-C-A. GRCh37 (hg19) VCF-style: chrX-79962999-C-A.
Other names: short protein forms D827Y.
Identifiers: ClinVar variation 2217210 (VCV002217210.12), dbSNP rs749411347, ClinGen allele CA10462006.

ClinVar aggregate classification (germline): Uncertain significance. Review status: criteria provided, multiple submitters, no conflicts (2 of 4 stars). 3 submissions from 3 submitters: Uncertain significance (3). Last evaluated 2025-07-01.

Conditions:
Inborn genetic diseases. Identifiers: MedGen C0950123, MeSH D030342.

Allele frequency attached by ClinVar (database versions not stated): gnomAD 0.00001; gnomAD exomes 0.00001; TOPMed 0.00001; ExAC 0.00003.
gnomAD v4.1: 10 of 1,208,056 alleles (0.00083%); highest among the groups gnomAD compares: Middle Eastern, 0.046%; no homozygotes.

Submissions (3):

CeGaT Center for Human Genetics Tuebingen
Classification: Uncertain significance. Last evaluated: 2025-07-01. Review status: criteria provided, single submitter. Criteria: CeGaT Center For Human Genetics Tuebingen Variant Classification Criteria Version 2. Collection method: clinical testing. Allele origin: germline. Affected: yes. Observed: 1 variant allele.

Labcorp Genetics (formerly Invitae), Labcorp
Classification: Uncertain significance. Last evaluated: 2022-11-28. Review status: criteria provided, single submitter. Criteria: Invitae Variant Classification Sherloc (09022015). Collection method: clinical testing. Allele origin: germline.
Comment: This variant has not been reported in the literature in individuals affected with BRWD3-related conditions. The frequency data for this variant in the population databases is considered unreliable, as metrics indicate poor data quality at this position in the gnomAD database. This sequence change replaces aspartic acid, which is acidic and polar, with tyrosine, which is neutral and polar, at codon 827 of the BRWD3 protein (p.Asp827Tyr). In summary, the available evidence is currently insufficient to determine the role of this variant in disease. Therefore, it has been classified as a Variant of Uncertain Significance. Algorithms developed to predict the effect of sequence changes on RNA splicing suggest that this variant may disrupt the consensus splice site. Advanced modeling of protein sequence and biophysical properties (such as structural, functional, and spatial information, amino acid conservation, physicochemical variation, residue mobility, and thermodynamic stability) performed at Invitae indicates that this missense variant is not expected to disrupt BRWD3 protein function.

Ambry Genetics
Classification: Uncertain significance for Inborn genetic diseases. Last evaluated: 2022-08-26. Review status: criteria provided, single submitter. Criteria: Ambry Variant Classification Scheme 2023. Collection method: clinical testing. Allele origin: germline.